The following is an entry in ClinVar:

ClinVar aggregate classification (germline): Likely pathogenic (1 of 4 stars; one submission).

Conditions:
Capillary malformation-arteriovenous malformation syndrome. Also called: Capillary malformation-arteriovenous malformation. Identifiers: Orphanet 137667, MedGen C1842180, MONDO:0012016.

Submission:

Labcorp Genetics (formerly Invitae), Labcorp
Classification: Likely pathogenic for Capillary malformation-arteriovenous malformation syndrome. Last evaluated: 2020-01-11. Review status: criteria provided, single submitter. Criteria: Invitae Variant Classification Sherloc (09022015). Collection method: clinical testing. Allele origin: germline.
Comment: In summary, the currently available evidence indicates that the variant is pathogenic, but additional data are needed to prove that conclusively. Therefore, this variant has been classified as Likely Pathogenic. Donor and acceptor splice site variants typically lead to a loss of protein function (PMID: 16199547), and loss-of-function variants in RASA1 are known to be pathogenic (PMID: 24038909). Algorithms developed to predict the effect of sequence changes on RNA splicing suggest that this variant may disrupt the consensus splice site, but this prediction has not been confirmed by published transcriptional studies. This variant has been observed in individual(s) with clinical features of capillary malformation-arteriovenous malformation (Invitae). This variant is not present in population databases (ExAC no frequency). This sequence change affects a donor splice site in intron 1 of the RASA1 gene. It is expected to disrupt RNA splicing and likely results in an absent or disrupted protein product.

Literature cited by the submitters: PubMed 16199547; PubMed 24038909.

NM_002890.3(RASA1):c.539+1G>C

Gene: RASA1 (RAS p21 protein activator 1; plus strand). Cytogenetic location: 5q14.3.
Variant type: single nucleotide variant.
Coding change: c.539+1G>C on transcript NM_002890.3 (MANE Select); the canonical splice donor site of the intron after coding-DNA position 539, G replaced by C.
Molecular consequence: splice donor variant. On other transcripts: 5 prime UTR variant (1).
Genome position (GRCh38, 1-based): chr5:87,268,991, G>C. VCF-style: chr5-87268991-G-C. GRCh37 (hg19) VCF-style: chr5-86564808-G-C.
Other names: c.-57G>C (NM_022650.3).
Identifiers: ClinVar variation 1067059 (VCV001067059.11), dbSNP rs2112223349, ClinGen allele CA360417605.
Genomic context (GRCh38, chr5:87,268,991, plus strand): 5'-TGGACCAGAATACGAGGAGGAAGAGGTGGCCATACCGTTGACCGCTCCTCCAACTAACCA[G>C]TAAGTTAAGACTGCTGTTCAGGAATTTGGGAAGCTGGCTCCAGAAAAGAAGTGGAAATGA-3'